The following is an entry in ClinVar:

ClinVar aggregate classification (germline): Uncertain significance (1 of 4 stars; one submission).

Conditions:
Cornelia de Lange syndrome 3 (CDLS3). Also called: SMC3-Related Cornelia de Lange Syndrome; CORNELIA DE LANGE SYNDROME 3 WITH OR WITHOUT MIDLINE BRAIN DEFECTS. Identifiers: Orphanet 199, MedGen C1853099, MONDO:0012555, OMIM 610759.

Submission:

Labcorp Genetics (formerly Invitae), Labcorp
Classification: Uncertain significance for Cornelia de Lange syndrome 3. Last evaluated: 2023-11-06. Review status: criteria provided, single submitter. Criteria: Invitae Variant Classification Sherloc (09022015). Collection method: clinical testing. Allele origin: germline.
Comment: This sequence change replaces aspartic acid, which is acidic and polar, with glutamic acid, which is acidic and polar, at codon 1061 of the SMC3 protein (p.Asp1061Glu). This variant is not present in population databases (gnomAD no frequency). This variant has not been reported in the literature in individuals affected with SMC3-related conditions. Advanced modeling of protein sequence and biophysical properties (such as structural, functional, and spatial information, amino acid conservation, physicochemical variation, residue mobility, and thermodynamic stability) performed at Invitae indicates that this missense variant is not expected to disrupt SMC3 protein function with a negative predictive value of 80%. In summary, the available evidence is currently insufficient to determine the role of this variant in disease. Therefore, it has been classified as a Variant of Uncertain Significance.

NM_005445.4(SMC3):c.3183T>A (p.Asp1061Glu)

Gene: SMC3 (structural maintenance of chromosomes 3; plus strand). Cytogenetic location: 10q25.2.
Variant type: single nucleotide variant.
Coding change: c.3183T>A on transcript NM_005445.4 (MANE Select); coding-DNA position 3183, T replaced by A.
Protein change: p.Asp1061Glu; replaces aspartic acid 1061 with glutamic acid.
Molecular consequence: missense variant.
Genome position (GRCh38, 1-based): chr10:110,602,551, T>A. VCF-style: chr10-110602551-T-A. GRCh37 (hg19) VCF-style: chr10-112362309-T-A.
Other names: short protein forms D1061E.
Identifiers: ClinVar variation 2693611 (VCV002693611.3), dbSNP rs2493149351, ClinGen allele CA378394664.
Genomic context (GRCh38, chr10:110,602,551, plus strand): 5'-TGAAGTATTCCAGAAGTTAGTACCTGGTGGCAAAGCTACTTTGGTGATGAAGAAAGGAGA[T>A]GTGGAGGGCAGTCAGTCTCAAGATGAAGGAGAAGGGAGTGGTGAGAGTGAGAGGGGTTCT-3'
Protein context (NP_005436.1, residues 1051-1071): GKATLVMKKG[Asp1061Glu]VEGSQSQDEG